The following is an entry in ClinVar:

NM_001378457.1(DMXL2):c.3927A>C (p.Lys1309Asn)

Gene: DMXL2 (Dmx like 2; minus strand). Cytogenetic location: 15q21.2.
Variant type: single nucleotide variant.
Coding change: c.3927A>C on transcript NM_001378457.1 (MANE Select); coding-DNA position 3927, A replaced by C.
Protein change: p.Lys1309Asn; replaces lysine 1309 with asparagine.
Molecular consequence: missense variant. On other transcripts: non-coding transcript variant (2), intron variant (2).
Genome position (GRCh38, 1-based): chr15:51,499,297, T>G on the plus strand (A>C on the coding strand, the complement: DMXL2 is on the minus strand). VCF-style: chr15-51499297-T-G. GRCh37 (hg19) VCF-style: chr15-51791494-T-G.
Other names: c.3927A>C, p.Lys1309Asn (NM_001174116.3, NM_001378458.1, NM_001378459.1 and 4 more transcripts); c.3687A>C, p.Lys1229Asn (NM_001378464.1); c.2765-7550A>C (NM_001378460.1); c.2765-4163A>C (NM_001174117.3); short protein forms K1309N, K1229N.
Identifiers: ClinVar variation 1438800 (VCV001438800.6), dbSNP rs2140487036, ClinGen allele CA392433583.

ClinVar aggregate classification (germline): Uncertain significance (1 of 4 stars; one submission).

Submission:

Labcorp Genetics (formerly Invitae), Labcorp
Classification: Uncertain significance. Last evaluated: 2021-09-18. Review status: criteria provided, single submitter. Criteria: Invitae Variant Classification Sherloc (09022015). Collection method: clinical testing. Allele origin: germline.
Comment: Algorithms developed to predict the effect of missense changes on protein structure and function (SIFT, PolyPhen-2, Align-GVGD) all suggest that this variant is likely to be tolerated. In summary, the available evidence is currently insufficient to determine the role of this variant in disease. Therefore, it has been classified as a Variant of Uncertain Significance. This sequence change replaces lysine with asparagine at codon 1309 of the DMXL2 protein (p.Lys1309Asn). The lysine residue is moderately conserved and there is a moderate physicochemical difference between lysine and asparagine. This variant has not been reported in the literature in individuals affected with DMXL2-related conditions. This variant is not present in population databases (ExAC no frequency).